The following is an entry in ClinVar:

NM_001384125.1(BLTP1):c.9875A>T (p.Tyr3292Phe)

Gene: BLTP1 (bridge-like lipid transfer protein family member 1; plus strand). Cytogenetic location: 4q27.
Variant type: single nucleotide variant.
Coding change: c.9875A>T on transcript NM_001384125.1 (MANE Select); coding-DNA position 9875, A replaced by T.
Protein change: p.Tyr3292Phe; replaces tyrosine 3292 with phenylalanine.
Molecular consequence: missense variant.
Genome position (GRCh38, 1-based): chr4:122,307,982, A>T. VCF-style: chr4-122307982-A-T. GRCh37 (hg19) VCF-style: chr4-123229137-A-T.
Other names: c.9875A>T, p.Tyr3292Phe (NM_015312.4); short protein forms Y3292F.
Identifiers: ClinVar variation 2430724 (VCV002430724.1), dbSNP rs2481609252, ClinGen allele CA358085221.

ClinVar aggregate classification (germline): Uncertain significance (1 of 4 stars; one submission).

Allele frequency attached by ClinVar (database versions not stated): gnomAD exomes below 0.00001.
gnomAD v4.1: 1 of 1,613,290 alleles (0.000062%); highest among the groups gnomAD compares: Admixed American, 0.0017%; no homozygotes.

Submission:

GeneDx
Classification: Uncertain significance. Last evaluated: 2022-08-26. Review status: criteria provided, single submitter. Criteria: GeneDx Variant Classification Process June 2021. Collection method: clinical testing. Allele origin: germline. Affected: yes.
Comment: Not observed at significant frequency in large population cohorts (gnomAD); In silico analysis supports that this missense variant has a deleterious effect on protein structure/function; Has not been previously published as pathogenic or benign to our knowledge